The following is an entry in ClinVar:

NM_001369268.1(ACAN):c.2003G>T (p.Arg668Leu)

Gene: ACAN (aggrecan; plus strand). Cytogenetic location: 15q26.1.
Variant type: single nucleotide variant.
Coding change: c.2003G>T on transcript NM_001369268.1 (MANE Select); coding-DNA position 2003, G replaced by T.
Protein change: p.Arg668Leu; replaces arginine 668 with leucine.
Molecular consequence: missense variant.
Genome position (GRCh38, 1-based): chr15:88,849,708, G>T. VCF-style: chr15-88849708-G-T. GRCh37 (hg19) VCF-style: chr15-89392939-G-T.
Other names: c.2003G>T, p.Arg668Leu (NM_001135.4, NM_001411096.1, NM_001411097.1 and 1 more transcripts); short protein forms R668L.
Identifiers: ClinVar variation 3698446 (VCV003698446.2).

ClinVar aggregate classification (germline): Uncertain significance (1 of 4 stars; one submission).

gnomAD v4.1: 5 of 1,613,744 alleles (0.00031%); highest among the groups gnomAD compares: East Asian, 0.011%; no homozygotes.

Submission:

Labcorp Genetics (formerly Invitae), Labcorp
Classification: Uncertain significance. Last evaluated: 2024-02-22. Review status: criteria provided, single submitter. Criteria: Invitae Variant Classification Sherloc (09022015). Collection method: clinical testing. Allele origin: germline.
Comment: This sequence change replaces arginine, which is basic and polar, with leucine, which is neutral and non-polar, at codon 668 of the ACAN protein (p.Arg668Leu). This variant is not present in population databases (gnomAD no frequency). This variant has not been reported in the literature in individuals affected with ACAN-related conditions. Advanced modeling of protein sequence and biophysical properties (such as structural, functional, and spatial information, amino acid conservation, physicochemical variation, residue mobility, and thermodynamic stability) performed at Invitae indicates that this missense variant is not expected to disrupt ACAN protein function with a negative predictive value of 80%. In summary, the available evidence is currently insufficient to determine the role of this variant in disease. Therefore, it has been classified as a Variant of Uncertain Significance.